The following is an entry in ClinVar:

NM_024422.6(DSC2):c.1138G>T (p.Asp380Tyr)

Gene: DSC2 (desmocollin 2; minus strand). Cytogenetic location: 18q12.1.
Variant type: single nucleotide variant.
Coding change: c.1138G>T on transcript NM_024422.6 (MANE Select); coding-DNA position 1138, G replaced by T.
Protein change: p.Asp380Tyr; replaces aspartic acid 380 with tyrosine.
Molecular consequence: missense variant.
Genome position (GRCh38, 1-based): chr18:31,082,363, C>A on the plus strand (G>T on the coding strand, the complement: DSC2 is on the minus strand). VCF-style: chr18-31082363-C-A. GRCh37 (hg19) VCF-style: chr18-28662329-C-A.
Other names: c.709G>T, p.Asp237Tyr (NM_001406506.1, NM_001406507.1); c.1138G>T, p.Asp380Tyr (NM_004949.5); short protein forms D237Y, D380Y.
Identifiers: ClinVar variation 4751269 (VCV004751269.1).
Genomic context (GRCh38, chr18:31,082,363, plus strand): 5'-CATTGCCCTTTAAAATGGTATAATTAGCTCTCCAGTTAGCAGTATTCACTAAGTCCTTAT[C>A]CTCAACAGTAACTCGTAAGATTTCCACATCAACTGTATTTTCTTCCACTGATGTCACATA-3'
Protein context (NP_077740.1, residues 370-390): DVEILRVTVE[Asp380Tyr]KDLVNTANWR

ClinVar aggregate classification (germline): Uncertain significance. Review status: criteria provided, multiple submitters, no conflicts (2 of 4 stars). 2 submissions from 2 submitters: Uncertain significance (2). Last evaluated 2025-10-26.

Conditions:
Arrhythmogenic right ventricular dysplasia 11. Also called: ARRHYTHMOGENIC RIGHT VENTRICULAR DYSPLASIA, FAMILIAL, 11; Arrhythmogenic Right Ventricular Dysplasia/Cardiomyopathy11; Arrhythmogenic right ventricular dysplasia 11 with mild palmoplantar keratoderma and woolly hair. Identifiers: MedGen C1864850, MONDO:0012506, OMIM 610476.
Cardiomyopathy (CMYO). Also called: Cardiomyopathies. Identifiers: Orphanet 167848, MedGen C0878544, MONDO:0004994, HP:0001638. Inheritance: Various modes of inheritance.

gnomAD v4.1: 1 of 1,613,870 alleles (0.000062%); highest among the groups gnomAD compares: Admixed American, 0.0017%; no homozygotes.

Submissions (2):

Labcorp Genetics (formerly Invitae), Labcorp
Classification: Uncertain significance for Arrhythmogenic right ventricular dysplasia 11. Last evaluated: 2025-10-26. Review status: criteria provided, single submitter. Criteria: Invitae Variant Classification Sherloc (09022015). Collection method: clinical testing. Allele origin: germline.
Comment: This sequence change replaces aspartic acid, which is acidic and polar, with tyrosine, which is neutral and polar, at codon 380 of the DSC2 protein (p.Asp380Tyr). This variant is present in population databases (no rsID available, gnomAD 0.003%). This variant has not been reported in the literature in individuals affected with DSC2-related conditions. Invitae Evidence Modeling of protein sequence and biophysical properties (such as structural, functional, and spatial information, amino acid conservation, physicochemical variation, residue mobility, and thermodynamic stability) indicates that this missense variant is expected to disrupt DSC2 protein function with a positive predictive value of 80%. In summary, the available evidence is currently insufficient to determine the role of this variant in disease. Therefore, it has been classified as a Variant of Uncertain Significance.

Color Diagnostics, LLC DBA Color Health
Classification: Uncertain significance for Cardiomyopathy. Last evaluated: 2025-06-03. Review status: criteria provided, single submitter. Criteria: ACMG Guidelines, 2015. Collection method: clinical testing. Allele origin: germline.
Comment: This missense variant replaces aspartic acid with tyrosine at codon 380 of the DSC2 protein. Computational prediction is inconclusive regarding the impact of this variant on protein structure and function. To our knowledge, functional studies have not been reported for this variant. This variant has not been reported in individuals affected with DSC2-related disorders in the literature. This variant has been identified in 1/251120 chromosomes in the general population by the Genome Aggregation Database (gnomAD). The available evidence is insufficient to determine the role of this variant in disease conclusively. Therefore, this variant is classified as a Variant of Uncertain Significance.